The following is an entry in ClinVar:

ClinVar aggregate classification (germline): Likely pathogenic (1 of 4 stars; one submission).

Conditions:
Hereditary spastic paraplegia 50 (SPG50). Also called: Spastic paraplegia 50, autosomal recessive. Identifiers: Orphanet 280763, MedGen C2752008, MONDO:0013048, OMIM 612936.

Submission:

Kasturba Medical College, Manipal, Kasturba Medical College, Manipal, Manipal Academy of Higher Education, Manipal, India
Classification: Likely pathogenic for Hereditary spastic paraplegia 50. Review status: criteria provided, single submitter. Criteria: ACMG Guidelines, 2015. Collection method: research. Allele origin: biparental. Inheritance: Autosomal recessive inheritance. Affected: yes. Observed: 1 homozygote.
Comment: This variant is absent in gnomAD (v4.1.0) population database. This variant was observed in four individuals in heterozygous state and in one more similarly affected individual in homozygous state in our in-house data of 3659 exomes. This canonical splice site variant is likely to cause aberrant splicing and thus resulting in aberrant protein function.

NM_004722.4(AP4M1):c.351+1G>A

Gene: AP4M1 (adaptor related protein complex 4 subunit mu 1; plus strand). Cytogenetic location: 7q22.1.
Variant type: single nucleotide variant.
Coding change: c.351+1G>A on transcript NM_004722.4 (MANE Select); the canonical splice donor site of the intron after coding-DNA position 351, G replaced by A.
Molecular consequence: splice donor variant.
Genome position (GRCh38, 1-based): chr7:100,102,961, G>A. VCF-style: chr7-100102961-G-A. GRCh37 (hg19) VCF-style: chr7-99700584-G-A.
Other names: c.372+1G>A (NM_001363671.2).
Identifiers: ClinVar variation 4070523 (VCV004070523.1).
Genomic context (GRCh38, chr7:100,102,961, plus strand): 5'-GGCGAGGGGACCATCTCCCGCAATGTGGCTCTGGTATACGAACTCCTGGATGAAGTGCTG[G>A]TGAGAATCAACAATCCCCTTCTGTGGCCCCTACCCAATTCCCCTGAAGATACATCTGCTC-3'